The following is an entry in ClinVar:

NC_000001.10:g.(?_243663038)_(243668656_?)dup

Genes: AKT3 (AKT serine/threonine kinase 3; minus strand), SDCCAG8 (SHH signaling and ciliogenesis regulator SDCCAG8; plus strand). Cytogenetic location: 1q43.
Variant type: Duplication.
Identifiers: ClinVar variation 1440421 (VCV001440421.4).

ClinVar aggregate classification (germline): Uncertain significance (1 of 4 stars; one submission).

Conditions:
Megalencephaly-polymicrogyria-polydactyly-hydrocephalus syndrome 2 (MPPH2). Also called: MEGALENCEPHALY-POLYMICROGYRIA-POLYDACTYLY-HYDROCEPHALUS SYNDROME 2, SOMATIC. Identifiers: Orphanet 83473, MedGen C4014738, MONDO:0014407, OMIM 615937.

Submission:

Labcorp Genetics (formerly Invitae), Labcorp
Classification: Uncertain significance for Megalencephaly-polymicrogyria-polydactyly-hydrocephalus syndrome 2. Last evaluated: 2021-08-20. Review status: criteria provided, single submitter. Criteria: Invitae Variant Classification Sherloc (09022015). Collection method: clinical testing. Allele origin: germline.
Comment: In summary, the available evidence is currently insufficient to determine the role of this variant in disease. Therefore, it has been classified as a Variant of Uncertain Significance. This variant has not been reported in the literature in individuals affected with AKT3-related conditions. This variant results in a copy number gain of the genomic region encompassing exon(s) 13 of the AKT3 gene. This region includes the termination codon of the gene. This copy number gain extends beyond the assayed region for this gene and therefore may encompass additional genes. As the precise location of this event is unknown, it may be in tandem or it may be located elsewhere in the genome.